The following is an entry in ClinVar:

ClinVar aggregate classification (germline): Uncertain significance (1 of 4 stars; one submission).

Allele frequency attached by ClinVar (database versions not stated): gnomAD exomes below 0.00001.
gnomAD v4.1: 1 of 1,613,144 alleles (0.000062%); highest among the groups gnomAD compares: African/African-American, 0.0013%; no homozygotes.

Submission:

Labcorp Genetics (formerly Invitae), Labcorp
Classification: Uncertain significance. Last evaluated: 2023-06-02. Review status: criteria provided, single submitter. Criteria: Invitae Variant Classification Sherloc (09022015). Collection method: clinical testing. Allele origin: germline.
Comment: This sequence change affects codon 360 of the MYO7A mRNA. It is a 'silent' change, meaning that it does not change the encoded amino acid sequence of the MYO7A protein. This variant also falls at the last nucleotide of exon 10, which is part of the consensus splice site for this exon. Variants that disrupt the consensus splice site are a relatively common cause of aberrant splicing (PMID: 17576681, 9536098). Algorithms developed to predict the effect of sequence changes on RNA splicing suggest that this variant may disrupt the consensus splice site. This variant has not been reported in the literature in individuals affected with MYO7A-related conditions. This variant is not present in population databases (gnomAD no frequency). In summary, the available evidence is currently insufficient to determine the role of this variant in disease. Therefore, it has been classified as a Variant of Uncertain Significance.

Literature cited by the submitters: PubMed 17576681; PubMed 9536098.

NM_000260.4(MYO7A):c.1080G>A (p.Glu360=)

Gene: MYO7A (myosin VIIA; plus strand). Cytogenetic location: 11q13.5.
Variant type: single nucleotide variant.
Coding change: c.1080G>A on transcript NM_000260.4 (MANE Select); coding-DNA position 1080, G replaced by A.
Protein change: p.Glu360=; no amino-acid change (glutamic acid 360 retained).
Molecular consequence: synonymous variant.
Genome position (GRCh38, 1-based): chr11:77,159,523, G>A. VCF-style: chr11-77159523-G-A. GRCh37 (hg19) VCF-style: chr11-76870569-G-A.
Other names: c.1080G>A, p.Glu360= (NM_001127180.2); c.1047G>A, p.Glu349= (NM_001369365.1).
Identifiers: ClinVar variation 2758884 (VCV002758884.3), dbSNP rs2496812375, ClinGen allele CA475793100.